The following is an entry in ClinVar:

ClinVar aggregate classification (germline): Uncertain significance (1 of 4 stars; one submission).

Conditions:
CAPN15-related disorder. Also called: CAPN15-related condition.

Submission:

PreventionGenetics, part of Exact Sciences
Classification: Uncertain significance for CAPN15-related condition. Last evaluated: 2024-11-22. Review status: criteria provided, single submitter. Criteria: ACMG Guidelines, 2015. Collection method: clinical testing. Allele origin: germline.
Comment: The CAPN15 c.1162A>G variant is predicted to result in the amino acid substitution p.Lys388Glu. To our knowledge, this variant has not been reported in the literature. This variant is reported in 0.0065% of alleles in individuals of European (Non-Finnish) descent in gnomAD. At this time, the clinical significance of this variant is uncertain due to the absence of conclusive functional and genetic evidence.

NM_005632.3(CAPN15):c.1162A>G (p.Lys388Glu)

Gene: CAPN15 (calpain 15; plus strand). Cytogenetic location: 16p13.3.
Variant type: single nucleotide variant.
Coding change: c.1162A>G on transcript NM_005632.3 (MANE Select); coding-DNA position 1162, A replaced by G.
Protein change: p.Lys388Glu; replaces lysine 388 with glutamic acid.
Molecular consequence: missense variant.
Genome position (GRCh38, 1-based): chr16:548,000, A>G. VCF-style: chr16-548000-A-G. GRCh37 (hg19) VCF-style: chr16-598000-A-G.
Other names: short protein forms K388E.
Identifiers: ClinVar variation 4990065 (VCV004990065.1).